The following is an entry in ClinVar:

NM_006080.3(SEMA3A):c.1263A>G (p.Ile421Met)

Gene: SEMA3A (semaphorin 3A; minus strand). Cytogenetic location: 7q21.11.
Variant type: single nucleotide variant.
Coding change: c.1263A>G on transcript NM_006080.3 (MANE Select); coding-DNA position 1263, A replaced by G.
Protein change: p.Ile421Met; replaces isoleucine 421 with methionine.
Molecular consequence: missense variant.
Genome position (GRCh38, 1-based): chr7:84,005,436, T>C on the plus strand (A>G on the coding strand, the complement: SEMA3A is on the minus strand). VCF-style: chr7-84005436-T-C. GRCh37 (hg19) VCF-style: chr7-83634752-T-C.
Other names: short protein forms I421M.
Identifiers: ClinVar variation 2635637 (VCV002635637.2), dbSNP rs758392343, ClinGen allele CA4322798.
Genomic context (GRCh38, chr7:84,005,436, plus strand): 5'-TGCATCCACTCGGTCTACGACAATTTGTGTAAATTGATAATTTACATCCGTTTTGATCAC[T>C]ATTGGGCGATTGTTCATAGGAAACACTGGATTGTACATGGCTGGATGACTTCTTGCAAAG-3'
Protein context (NP_006071.1, residues 411-431): NPVFPMNNRP[Ile421Met]VIKTDVNYQF

ClinVar aggregate classification (germline): Uncertain significance. Review status: criteria provided, multiple submitters, no conflicts (2 of 4 stars). 2 submissions from 2 submitters: Uncertain significance (2). Last evaluated 2025-05-30.

Conditions:
SEMA3A-related disorder. Also called: SEMA3A-related condition.

Allele frequency attached by ClinVar (database versions not stated): TOPMed below 0.00001; gnomAD 0.00001; gnomAD exomes 0.00008; ExAC 0.00021.
gnomAD v4.1: 111 of 1,613,736 alleles (0.0069%); highest among the groups gnomAD compares: South Asian, 0.12%; 3 homozygotes.

Submissions (2):

Labcorp Genetics (formerly Invitae), Labcorp
Classification: Uncertain significance. Last evaluated: 2025-05-30. Review status: criteria provided, single submitter. Criteria: Invitae Variant Classification Sherloc (09022015). Collection method: clinical testing. Allele origin: germline.
Comment: This sequence change replaces isoleucine, which is neutral and non-polar, with methionine, which is neutral and non-polar, at codon 421 of the SEMA3A protein (p.Ile421Met). This variant is present in population databases (rs758392343, gnomAD 0.1%). This variant has not been reported in the literature in individuals affected with SEMA3A-related conditions. ClinVar contains an entry for this variant (Variation ID: 2635637). Invitae Evidence Modeling of protein sequence and biophysical properties (such as structural, functional, and spatial information, amino acid conservation, physicochemical variation, residue mobility, and thermodynamic stability) indicates that this missense variant is not expected to disrupt SEMA3A protein function with a negative predictive value of 80%. In summary, the available evidence is currently insufficient to determine the role of this variant in disease. Therefore, it has been classified as a Variant of Uncertain Significance.

PreventionGenetics, part of Exact Sciences
Classification: Uncertain significance for SEMA3A-related condition. Last evaluated: 2022-10-21. Review status: criteria provided, single submitter. Criteria: ACMG Guidelines, 2015. Collection method: clinical testing. Allele origin: germline.
Comment: The SEMA3A c.1263A>G variant is predicted to result in the amino acid substitution p.Ile421Met. To our knowledge, this variant has not been reported in the literature. This variant is reported in 0.13% of alleles in individuals of South Asian descent in gnomAD, which is likely too common for an undocumented pathogenic variant. Although we suspect that this variant may be benign, at this time, the clinical significance of this variant is uncertain due to the absence of conclusive functional and genetic evidence.